The following is an entry in ClinVar:

ClinVar aggregate classification (germline): Uncertain significance (1 of 4 stars; one submission).

Conditions:
Cowden syndrome (CS). Also called: Cowden's disease; Cowden's syndrome; Cowden disease. Identifiers: Orphanet 201, MedGen C0018553, MONDO:0016063. Disease mechanism: gain of function.

Submission:

Labcorp Genetics (formerly Invitae), Labcorp
Classification: Uncertain significance for Cowden syndrome. Last evaluated: 2020-07-19. Review status: criteria provided, single submitter. Criteria: Invitae Variant Classification Sherloc (09022015). Collection method: clinical testing. Allele origin: germline.
Comment: Algorithms developed to predict the effect of sequence changes on RNA splicing suggest that this variant may create or strengthen a splice site, but this prediction has not been confirmed by published transcriptional studies. This sequence change replaces alanine with glycine at codon 990 of the PIK3CA protein (p.Ala990Gly). The alanine residue is highly conserved and there is a small physicochemical difference between alanine and glycine. This variant is not present in population databases (ExAC no frequency). This variant has not been reported in the literature in individuals with PIK3CA-related conditions. Algorithms developed to predict the effect of missense changes on protein structure and function (SIFT, PolyPhen-2, Align-GVGD) all suggest that this variant is likely to be tolerated, but these predictions have not been confirmed by published functional studies and their clinical significance is uncertain. In summary, the available evidence is currently insufficient to determine the role of this variant in disease. Therefore, it has been classified as a Variant of Uncertain Significance.

NM_006218.4(PIK3CA):c.2969C>G (p.Ala990Gly)

Gene: PIK3CA (phosphatidylinositol-4,5-bisphosphate 3-kinase catalytic subunit alpha; plus strand). Cytogenetic location: 3q26.32.
Variant type: single nucleotide variant.
Coding change: c.2969C>G on transcript NM_006218.4 (MANE Select); coding-DNA position 2969, C replaced by G.
Protein change: p.Ala990Gly; replaces alanine 990 with glycine.
Molecular consequence: missense variant.
Genome position (GRCh38, 1-based): chr3:179,234,126, C>G. VCF-style: chr3-179234126-C-G. GRCh37 (hg19) VCF-style: chr3-178951914-C-G.
Other names: short protein forms A990G.
Identifiers: ClinVar variation 1011496 (VCV001011496.9), dbSNP rs1725278653, ClinGen allele CA355284560.
Genomic context (GRCh38, chr3:179,234,126, plus strand): 5'-CTGACCAAACTGTTCTTATTACTTATAGGTTTCAGGAGATGTGTTACAAGGCTTATCTAG[C>G]TATTCGACAGCATGCCAATCTCTTCATAAATCTTTTCTCAATGATGCTTGGCTCTGGAAT-3'
Protein context (NP_006209.2, residues 980-1000): FQEMCYKAYL[Ala990Gly]IRQHANLFIN